The following is an entry in ClinVar:

ClinVar aggregate classification (germline): Pathogenic/Likely pathogenic. Review status: criteria provided, multiple submitters, no conflicts (2 of 4 stars). 4 submissions from 4 submitters: Pathogenic (3); Likely pathogenic (1). Last evaluated 2025-09-01.

Conditions:
LAMA2-related muscular dystrophy (LAMA2-RD). Also called: Laminin alpha 2-related dystrophy. Identifiers: MedGen C5679788, MONDO:0100228.

Submissions (4):

CeGaT Center for Human Genetics Tuebingen
Classification: Pathogenic. Last evaluated: 2025-09-01. Review status: criteria provided, single submitter. Criteria: CeGaT Center For Human Genetics Tuebingen Variant Classification Criteria Version 2. Collection method: clinical testing. Allele origin: germline. Affected: yes. Observed: 1 variant allele.
Comment: LAMA2: PVS1, PM2

Revvity Omics, Revvity
Classification: Pathogenic. Last evaluated: 2024-08-05. Review status: criteria provided, single submitter. Criteria: ACMG Guidelines, 2015. Collection method: clinical testing. Allele origin: germline.

Labcorp Genetics (formerly Invitae), Labcorp
Classification: Likely pathogenic for LAMA2-related muscular dystrophy. Last evaluated: 2022-02-24. Review status: criteria provided, single submitter. Criteria: Invitae Variant Classification Sherloc (09022015). Collection method: clinical testing. Allele origin: germline.
Comment: In summary, the currently available evidence indicates that the variant is pathogenic, but additional data are needed to prove that conclusively. Therefore, this variant has been classified as Likely Pathogenic. Algorithms developed to predict the effect of sequence changes on RNA splicing suggest that this variant may disrupt the consensus splice site. ClinVar contains an entry for this variant (Variation ID: 287677). This variant has not been reported in the literature in individuals affected with LAMA2-related conditions. This variant is not present in population databases (gnomAD no frequency). This sequence change affects a donor splice site in intron 50 of the LAMA2 gene. It is expected to disrupt RNA splicing. Variants that disrupt the donor or acceptor splice site typically lead to a loss of protein function (PMID: 16199547), and loss-of-function variants in LAMA2 are known to be pathogenic (PMID: 18700894, 32904964).

Eurofins Ntd Llc (ga)
Classification: Pathogenic. Last evaluated: 2016-06-09. Review status: criteria provided, single submitter. Criteria: EGL Classification Definitions 2015. Collection method: clinical testing. Allele origin: germline. Observed: 1 variant allele, 1 heterozygote.

Literature cited by the submitters: PubMed 16199547 (cited by Labcorp Genetics (formerly Invitae), Labcorp); PubMed 18700894 (cited by Labcorp Genetics (formerly Invitae), Labcorp); PubMed 32904964 (cited by Labcorp Genetics (formerly Invitae), Labcorp).

NM_000426.4(LAMA2):c.7155+1G>A

Gene: LAMA2 (laminin subunit alpha 2; plus strand). Cytogenetic location: 6q22.33.
Variant type: single nucleotide variant.
Coding change: c.7155+1G>A on transcript NM_000426.4 (MANE Select); the canonical splice donor site of the intron after coding-DNA position 7155, G replaced by A.
Molecular consequence: splice donor variant.
Genome position (GRCh38, 1-based): chr6:129,464,453, G>A. VCF-style: chr6-129464453-G-A. GRCh37 (hg19) VCF-style: chr6-129785598-G-A.
Other names: c.7155+1G>A (NM_000426.3, NM_001079823.2).
Identifiers: ClinVar variation 287677 (VCV000287677.20), dbSNP rs886043692, ClinGen allele CA10605831.